The following is an entry in ClinVar:

ClinVar aggregate classification (germline): Likely benign. Review status: criteria provided, multiple submitters, no conflicts (2 of 4 stars). 2 submissions from 2 submitters: Likely benign (2). Last evaluated 2025-08-21.

Conditions:
FLNB-related disorder. Also called: FLNB-related disorders; FLNB-related condition. Identifiers: MedGen CN381095.

Allele frequency attached by ClinVar (database versions not stated): ExAC 0.00001; gnomAD exomes 0.00001; TOPMed 0.00004; gnomAD 0.00005; ESP Exome Variant Server 0.00015.
gnomAD v4.1: 16 of 1,613,960 alleles (0.00099%); highest among the groups gnomAD compares: African/African-American, 0.019%; no homozygotes.

Submissions (2):

PreventionGenetics, part of Exact Sciences
Classification: Likely benign for FLNB-related condition. Last evaluated: 2025-08-21. Review status: criteria provided, single submitter. Criteria: ACMG Guidelines, 2015. Collection method: clinical testing. Allele origin: germline.
Comment: This variant is classified as likely benign based on ACMG/AMP sequence variant interpretation guidelines (Richards et al. 2015 PMID: 25741868, with internal and published modifications).

Labcorp Genetics (formerly Invitae), Labcorp
Classification: Likely benign. Last evaluated: 2018-02-20. Review status: criteria provided, single submitter. Criteria: Invitae Variant Classification Sherloc (09022015). Collection method: clinical testing. Allele origin: germline.

NM_001457.4(FLNB):c.7022-10A>G

Genes: FLNB (filamin B; plus strand), FLNB-AS1 (FLNB antisense RNA 1; minus strand). Cytogenetic location: 3p14.3.
Variant type: single nucleotide variant.
Coding change: c.7022-10A>G on transcript NM_001457.4 (MANE Select); 10 bases into the intron before coding-DNA position 7022, A replaced by G.
Molecular consequence: intron variant. On other transcripts: non-coding transcript variant (1).
Genome position (GRCh38, 1-based): chr3:58,163,144, A>G. VCF-style: chr3-58163144-A-G. GRCh37 (hg19) VCF-style: chr3-58148871-A-G.
Other names: c.7115-10A>G (NM_001164317.2); c.6989-10A>G (NM_001164318.2); c.6950-10A>G (NM_001164319.2).
Identifiers: ClinVar variation 726851 (VCV000726851.4), dbSNP rs376605841, ClinGen allele CA2469586.
Genomic context (GRCh38, chr3:58,163,144, plus strand): 5'-CTTTATCCTCACTGAACTCAGGGGTGTCCATTTGCTTGATTTCACCCTGTGCCTTTGCTC[A>G]TTCTCCTAGATAAGTATGCTGTTCGCTTCATCCCTCATGAGAATGGTGTCCACACCATCG-3'